The following is an entry in ClinVar:

NM_001365276.2(TNXB):c.512C>T (p.Thr171Ile)

Gene: TNXB (tenascin XB; minus strand). Cytogenetic location: 6p21.33.
Variant type: single nucleotide variant.
Coding change: c.512C>T on transcript NM_001365276.2 (MANE Select); coding-DNA position 512, C replaced by T.
Protein change: p.Thr171Ile; replaces threonine 171 with isoleucine.
Molecular consequence: missense variant.
Genome position (GRCh38, 1-based): chr6:32,097,341, G>A on the plus strand (C>T on the coding strand, the complement: TNXB is on the minus strand). VCF-style: chr6-32097341-G-A. GRCh37 (hg19) VCF-style: chr6-32065118-G-A.
Other names: c.512C>T, p.Thr171Ile (NM_001428335.1, NM_019105.8); short protein forms T171I.
Identifiers: ClinVar variation 4615223 (VCV004615223.2).
Genomic context (GRCh38, chr6:32,097,341, plus strand): 5'-CAGTCATCTGGGCAGGACCCCGAGGCTGAGGGTGGGGAAGAGGGAGGGATCTCAGCATCT[G>A]TGGGGTCTGAGCAGGTGGGCCCACCCCAGCCTGGCTCACAGGAACAGGTGCAGCGGCTCA-3'
Protein context (NP_001352205.1, residues 161-181): GWGGPTCSDP[Thr171Ile]DAEIPPSSPP

ClinVar aggregate classification (germline): Uncertain significance. Review status: criteria provided, multiple submitters, no conflicts (2 of 4 stars). 2 submissions from 2 submitters: Uncertain significance (2). Last evaluated 2026-02-25.

Conditions:
Cardiovascular phenotype. Identifiers: MedGen CN230736.

Submissions (2):

Women's Health and Genetics/Laboratory Corporation of America, LabCorp
Classification: Uncertain significance. Last evaluated: 2026-02-25. Review status: criteria provided, single submitter. Criteria: LabCorp Variant Classification Summary - May 2015. Collection method: clinical testing. Allele origin: germline.
Comment: Variant summary: TNXB c.512C>T (p.Thr171Ile) results in a non-conservative amino acid change in the encoded protein sequence. Algorithms developed to predict the effect of missense changes on protein structure and function are either unavailable or do not agree on the potential impact of this missense change. The variant was absent in 247810 control chromosomes. The available data on variant occurrences in the general population are insufficient to allow any conclusion about variant significance. To our knowledge, no occurrence of c.512C>T in individuals affected with TNXB-related conditions and no experimental evidence demonstrating its impact on protein function have been reported. ClinVar contains an entry for this variant (Variation ID: 4615223). Based on the evidence outlined above, the variant was classified as uncertain significance.

Ambry Genetics
Classification: Uncertain significance for Cardiovascular phenotype. Last evaluated: 2025-10-17. Review status: criteria provided, single submitter. Criteria: Ambry Variant Classification Scheme 2023. Collection method: clinical testing. Allele origin: germline.